The following is an entry in ClinVar:

ClinVar aggregate classification (germline): Uncertain significance. Review status: criteria provided, multiple submitters, no conflicts (2 of 4 stars). 3 submissions from 3 submitters: Uncertain significance (3). Last evaluated 2025-12-31.

Submissions (3):

Women's Health and Genetics/Laboratory Corporation of America, LabCorp
Classification: Uncertain significance. Last evaluated: 2025-12-31. Review status: criteria provided, single submitter. Criteria: LabCorp Variant Classification Summary - May 2015. Collection method: clinical testing. Allele origin: germline.
Comment: Variant summary: COL6A2 c.2182_2184delinsATA (p.Val728Ile) results in a conservative amino acid change in the encoded protein sequence. Algorithms developed to predict the effect of missense changes on protein structure and function are either unavailable or do not agree on the potential impact of this missense change. The variant allele was found at a frequency of 0.0004 in 282452 control chromosomes (gnomAD). This frequency is not significantly higher than estimated for disease-causing variants in COL6A2, allowing no conclusion about variant significance. c.2182_2184delinsATA has been observed in a heterozygous individual affected with peripheral hypotonia (Eker_2022). This report does not provide unequivocal conclusions about association of the variant with Ullrich congenital muscular dystrophy 1-AR. To our knowledge, no experimental evidence demonstrating an impact on protein function has been reported. The following publication has been ascertained in the context of this evaluation (PMID: 35846108). ClinVar contains an entry for this variant (Variation ID: 2440381). Based on the evidence outlined above, the variant was classified as uncertain significance.

GeneDx
Classification: Uncertain significance. Last evaluated: 2025-09-11. Review status: criteria provided, single submitter. Criteria: GeneDx Variant Classification Process June 2021. Collection method: clinical testing. Allele origin: germline. Affected: yes.
Comment: Reported previously in a patient with peripheral hypotonia including polyhydramnios and delayed motor development; however, segregation analysis suggested that this variant was actually two separate events that were maternally and paternally inherited with at least the father being unaffected (PMID: 35846108); In silico analysis supports a deleterious effect on protein structure/function; This variant is associated with the following publications: (PMID: 35846108)

Revvity Omics, Revvity
Classification: Uncertain significance. Last evaluated: 2021-06-09. Review status: criteria provided, single submitter. Criteria: ACMG Guidelines, 2015. Collection method: clinical testing. Allele origin: germline.

Literature cited by the submitters: PubMed 35846108 (cited by Women's Health and Genetics/Laboratory Corporation of America, LabCorp).

NM_001849.4(COL6A2):c.2182_2184delinsATA (p.Val728Ile)

Gene: COL6A2 (collagen type VI alpha 2 chain; plus strand). Cytogenetic location: 21q22.3.
Variant type: Indel.
Coding change: c.2182_2184delinsATA on transcript NM_001849.4 (MANE Select); coding-DNA positions 2182 to 2184, GTG replaced by ATA.
Protein change: p.Val728Ile; replaces valine 728 with isoleucine.
Molecular consequence: missense variant.
Genome position (GRCh38, 1-based): chr21:46,125,997-46,125,999, GTG replaced by ATA. VCF-style: chr21-46125997-GTG-ATA. GRCh37 (hg19) VCF-style: chr21-47545911-GTG-ATA.
Other names: c.2182_2184delinsATA, p.Val728Ile (NM_058174.3, NM_058175.3); c.2182_2184delinsATA (NM_001849.3); short protein forms V728I.
Identifiers: ClinVar variation 2440381 (VCV002440381.6), dbSNP rs2517018087, ClinGen allele CA1139666905.